The following is an entry in ClinVar:

ClinVar aggregate classification (germline): Likely benign (1 of 4 stars; one submission).

Allele frequency attached by ClinVar (database versions not stated): gnomAD exomes 0.00001; TOPMed 0.00004; gnomAD 0.00005.
gnomAD v4.1: 19 of 1,552,054 alleles (0.0012%); highest among the groups gnomAD compares: African/African-American, 0.0041%; no homozygotes.

Submission:

Women's Health and Genetics/Laboratory Corporation of America, LabCorp
Classification: Likely benign. Last evaluated: 2023-08-03. Review status: criteria provided, single submitter. Criteria: LabCorp Variant Classification Summary - May 2015. Collection method: clinical testing. Allele origin: germline.
Comment: Variant summary: SETD1B c.5721C>T alters a conserved nucleotide resulting in a synonymous change. Computational tools predict no significant impact on normal splicing. However, these predictions have yet to be confirmed by functional studies. The variant allele was found at a frequency of 4.6e-05 in 151036 control chromosomes (gnomAD v.3.1.2). The available data on variant occurrences in the general population are insufficient to allow any conclusion about variant significance. To our knowledge, no occurrence of c.5721C>T in individuals affected with Intellectual Developmental Disorder With Seizures And Language Delay and no experimental evidence demonstrating its impact on protein function have been reported. No submitters have cited clinical-significance assessments for this variant to ClinVar after 2014. Based on the evidence outlined above, the variant was classified as likely benign.

NM_001353345.2(SETD1B):c.5721C>T (p.Ser1907=)

Gene: SETD1B (SET domain containing 1B, histone lysine methyltransferase; plus strand). Cytogenetic location: 12q24.31.
Variant type: single nucleotide variant.
Coding change: c.5721C>T on transcript NM_001353345.2 (MANE Select); coding-DNA position 5721, C replaced by T.
Protein change: p.Ser1907=; no amino-acid change (serine 1907 retained).
Molecular consequence: synonymous variant.
Genome position (GRCh38, 1-based): chr12:121,828,064, C>T. VCF-style: chr12-121828064-C-T. GRCh37 (hg19) VCF-style: chr12-122265970-C-T.
Identifiers: ClinVar variation 2581333 (VCV002581333.1), dbSNP rs1435219875, ClinGen allele CA482436103.